The following is an entry in ClinVar:

NM_002435.3(MPI):c.844+1G>A

Gene: MPI (mannose phosphate isomerase; plus strand). Cytogenetic location: 15q24.1.
Variant type: single nucleotide variant.
Coding change: c.844+1G>A on transcript NM_002435.3 (MANE Select); the canonical splice donor site of the intron after coding-DNA position 844, G replaced by A.
Molecular consequence: splice donor variant.
Genome position (GRCh38, 1-based): chr15:74,896,326, G>A. VCF-style: chr15-74896326-G-A. GRCh37 (hg19) VCF-style: chr15-75188667-G-A.
Other names: c.784+1G>A (NM_001330372.2); c.844+1G>A (NM_001289155.2); c.661+1G>A (NM_001289157.2); c.694+1G>A (NM_001289156.2).
Identifiers: ClinVar variation 554263 (VCV000554263.10), dbSNP rs1394866894, ClinGen allele CA393176127.

ClinVar aggregate classification (germline): Likely pathogenic. Review status: criteria provided, multiple submitters, no conflicts (2 of 4 stars). 3 submissions from 3 submitters: Likely pathogenic (2). 1 of the submissions does not count toward it. Last evaluated 2023-12-20.

Conditions:
MPI-congenital disorder of glycosylation. Also called: PROTEIN-LOSING ENTEROPATHY-HEPATIC FIBROSIS SYNDROME; MPI-CDG; MPI DEFICIENCY; CONGENITAL DISORDER OF GLYCOSYLATION, TYPE Ib; CDG Ib; MANNOSEPHOSPHATE ISOMERASE DEFICIENCY. Identifiers: Orphanet 79319, MedGen C1865145, MONDO:0011257, OMIM 602579.

Allele frequency attached by ClinVar (database versions not stated): gnomAD exomes below 0.00001.
gnomAD v4.1: 1 of 1,614,114 alleles (0.000062%); highest among the groups gnomAD compares: Non-Finnish European, 0.000085%; no homozygotes.

Submissions (3):

Baylor Genetics
Classification: Likely pathogenic for MPI-congenital disorder of glycosylation. Last evaluated: 2023-12-20. Review status: criteria provided, single submitter. Criteria: ACMG Guidelines, 2015. Collection method: clinical testing. Allele origin: unknown.

Labcorp Genetics (formerly Invitae), Labcorp
Classification: Likely pathogenic for MPI-congenital disorder of glycosylation. Last evaluated: 2022-08-16. Review status: criteria provided, single submitter. Criteria: Invitae Variant Classification Sherloc (09022015). Collection method: clinical testing. Allele origin: germline.
Comment: In summary, the currently available evidence indicates that the variant is pathogenic, but additional data are needed to prove that conclusively. Therefore, this variant has been classified as Likely Pathogenic. This sequence change affects a donor splice site in intron 6 of the MPI gene. It is expected to disrupt RNA splicing. Variants that disrupt the donor or acceptor splice site typically lead to a loss of protein function (PMID: 16199547), and loss-of-function variants in MPI are known to be pathogenic (PMID: 19862844). This variant is present in population databases (no rsID available, gnomAD 0.0009%). This variant has not been reported in the literature in individuals affected with MPI-related conditions. ClinVar contains an entry for this variant (Variation ID: 554263). Algorithms developed to predict the effect of sequence changes on RNA splicing suggest that this variant may disrupt the consensus splice site.

Counsyl
Classification: Likely pathogenic for MPI-congenital disorder of glycosylation. Last evaluated: 2017-10-19. Review status: no assertion criteria provided. Collection method: clinical testing. Allele origin: unknown. Not counted in ClinVar's aggregate classification.

Literature cited by the submitters: PubMed 16199547 (cited by Labcorp Genetics (formerly Invitae), Labcorp); PubMed 19862844 (cited by Labcorp Genetics (formerly Invitae), Labcorp).